The following is an entry in ClinVar:

NM_000388.4(CASR):c.2064_2065delinsTA (p.Val689Met)

Gene: CASR (calcium sensing receptor; plus strand). Cytogenetic location: 3q21.1.
Variant type: Indel.
Coding change: c.2064_2065delinsTA on transcript NM_000388.4 (MANE Select); coding-DNA positions 2064 to 2065, CG replaced by TA.
Protein change: p.Val689Met; replaces valine 689 with methionine.
Molecular consequence: missense variant.
Genome position (GRCh38, 1-based): chr3:122,284,018-122,284,019, CG replaced by TA. VCF-style: chr3-122284018-CG-TA. GRCh37 (hg19) VCF-style: chr3-122002865-CG-TA.
Other names: c.2094_2095delinsTA, p.Val699Met (NM_001178065.2); short protein forms V699M, V689M.
Identifiers: ClinVar variation 2950016 (VCV002950016.3), dbSNP rs2473277721, ClinGen allele CA2740094572.

ClinVar aggregate classification (germline): Uncertain significance (1 of 4 stars; one submission).

Conditions:
Autosomal dominant hypocalcemia 1 (HYPOC1). Also called: HYPOCALCEMIA, FAMILIAL. Identifiers: MedGen C3715128, MONDO:0011013, OMIM 601198.
Familial hypocalciuric hypercalcemia (FHH). Also called: Familial benign hypercalcemia. Identifiers: Orphanet 405, MedGen C1809471, MONDO:0018458.

Submission:

Labcorp Genetics (formerly Invitae), Labcorp
Classification: Uncertain significance for Familial hypocalciuric hypercalcemia; Autosomal dominant hypocalcemia 1. Last evaluated: 2025-02-10. Review status: criteria provided, single submitter. Criteria: Invitae Variant Classification Sherloc (09022015). Collection method: clinical testing. Allele origin: germline.
Comment: This sequence change replaces valine, which is neutral and non-polar, with methionine, which is neutral and non-polar, at codon 689 of the CASR protein (p.Val689Met). Information on the frequency of this variant in the gnomAD database is not available, as this variant may be reported differently in the database. This missense change has been observed in individual(s) with familial hyperparathyroidism (PMID: 14985373, 32430905). ClinVar contains an entry for this variant (Variation ID: 2950016). Algorithms developed to predict the effect of variants on gene product structure and function are not available or were not evaluated for this variant. Experimental studies have shown that this missense change affects CASR function (PMID: 19389809). In summary, the available evidence is currently insufficient to determine the role of this variant in disease. Therefore, it has been classified as a Variant of Uncertain Significance.

Literature cited by the submitters: PubMed 14985373; PubMed 32430905; PubMed 19389809.